The following continues an entry in ClinVar:

NM_000059.4(BRCA2):c.5645C>A (p.Ser1882Ter)

Gene: BRCA2. ClinVar aggregate classification (germline): Pathogenic. Pathogenic (1).

Submissions 42 to 50 of 50:

Research Molecular Genetics Laboratory, Women's College Hospital, University of Toronto
Classification: Pathogenic for Hereditary breast ovarian cancer syndrome. Last evaluated: 2014-01-31. Review status: no assertion criteria provided. Collection method: research. Allele origin: germline. Affected: yes. Study: The Canadian Open Genetics Repository (COGR). Not counted in ClinVar's aggregate classification.

Sharing Clinical Reports Project (SCRP)
Classification: Pathogenic for Breast-ovarian cancer, familial 2. Last evaluated: 2011-08-19. Review status: no assertion criteria provided. Collection method: clinical testing. Allele origin: germline. Not counted in ClinVar's aggregate classification.

Foulkes Cancer Genetics LDI, Lady Davis Institute for Medical Research
Classification: Pathogenic for Breast and/or ovarian cancer. Last evaluated: 2004-02-13. Review status: no assertion criteria provided. Collection method: clinical testing. Allele origin: germline. Study: The Canadian Open Genetics Repository (COGR). Not counted in ClinVar's aggregate classification.

Breast Cancer Information Core (BIC) (BRCA2)
Classification: Pathogenic for Breast-ovarian cancer, familial 2. Last evaluated: 2002-05-29. Review status: no assertion criteria provided. Collection method: clinical testing. Allele origin: germline, unknown. Affected: yes. Observed: 27 variant alleles. Not counted in ClinVar's aggregate classification.

Center for Precision Medicine, Meizhou People's Hospital
Classification: Pathogenic for Familial cancer of breast. Review status: no assertion criteria provided. Collection method: literature only. Allele origin: germline. Affected: yes. Not counted in ClinVar's aggregate classification.

Clinical Genetics Laboratory, Department of Pathology, Netherlands Cancer Institute
Classification: Pathogenic. Review status: no assertion criteria provided. Collection method: clinical testing. Allele origin: germline. Affected: yes. Study: VKGL Data-share Consensus. Not counted in ClinVar's aggregate classification.

Diagnostic Laboratory, Department of Genetics, University Medical Center Groningen
Classification: Pathogenic for Breast-ovarian cancer, familial, susceptibility to, 2. Review status: no assertion criteria provided. Collection method: clinical testing. Allele origin: germline. Affected: yes. Study: VKGL Data-share Consensus. Not counted in ClinVar's aggregate classification.

Joint Genome Diagnostic Labs from Nijmegen and Maastricht, Radboudumc and MUMC+
Classification: Pathogenic. Review status: no assertion criteria provided. Collection method: clinical testing. Allele origin: germline. Affected: yes. Study: VKGL Data-share Consensus. Not counted in ClinVar's aggregate classification.

Department of Pathology and Laboratory Medicine, Sinai Health System
Classification: Uncertain significance. Review status: flagged submission. Collection method: clinical testing. Allele origin: unknown. Affected: yes. Observed: 2 variant alleles. Study: The Canadian Open Genetics Repository (COGR). Not counted in ClinVar's aggregate classification.
ClinVar note: Reason: Outlier claim with insufficient supporting evidence

Literature cited by the submitters: PubMed 20104584 (cited by 4 submitters); PubMed 15024741 (cited by 4 submitters); PubMed 21952622 (cited by 3 submitters); PubMed 22144684 (cited by 4 submitters); PubMed 22535016 (cited by 6 submitters); PubMed 22666503 (cited by 9 submitters); PubMed 35918668 (cited by Center for Genomic Medicine, Rigshospitalet, Copenhagen University Hospital); PubMed 15689453 (cited by 4 submitters); PubMed 26439132 (cited by 6 submitters); PubMed 27257965 (cited by 5 submitters); PubMed 27433846 (cited by 5 submitters); PubMed 28039656 (cited by 3 submitters); PubMed 28724667 (cited by 4 submitters); PubMed 30287823 (cited by 5 submitters); PubMed 31214711 (cited by Color Diagnostics, LLC DBA Color Health and All of Us Research Program, National Institutes of Health); PubMed 31853058 (cited by Color Diagnostics, LLC DBA Color Health); PubMed 33471991 (cited by Color Diagnostics, LLC DBA Color Health and All of Us Research Program, National Institutes of Health); PubMed 40413188 (cited by Color Diagnostics, LLC DBA Color Health); PubMed 36456130 (cited by Quest Diagnostics Nichols Institute San Juan Capistrano); PubMed 40205657 (cited by Quest Diagnostics Nichols Institute San Juan Capistrano); PubMed 33918338 (cited by Quest Diagnostics Nichols Institute San Juan Capistrano); PubMed 10660329 (cited by Quest Diagnostics Nichols Institute San Juan Capistrano); PubMed 11597388 (cited by Quest Diagnostics Nichols Institute San Juan Capistrano); PubMed 18393245 (cited by Quest Diagnostics Nichols Institute San Juan Capistrano); PubMed 22009639 (cited by Quest Diagnostics Nichols Institute San Juan Capistrano and Laboratory for Molecular Medicine, Mass General Brigham Personalized Medicine); PubMed 25525159 (cited by Quest Diagnostics Nichols Institute San Juan Capistrano); PubMed 28324225 (cited by 4 submitters); PubMed 28993434 (cited by Quest Diagnostics Nichols Institute San Juan Capistrano); PubMed 29084914 (cited by Quest Diagnostics Nichols Institute San Juan Capistrano); PubMed 29176636 (cited by Quest Diagnostics Nichols Institute San Juan Capistrano); PubMed 29339979 (cited by Quest Diagnostics Nichols Institute San Juan Capistrano and Ambry Genetics); PubMed 29446198 (cited by Quest Diagnostics Nichols Institute San Juan Capistrano and Sema4); PubMed 30078507 (cited by Quest Diagnostics Nichols Institute San Juan Capistrano); PubMed 30093976 (cited by Quest Diagnostics Nichols Institute San Juan Capistrano); PubMed 30274973 (cited by Quest Diagnostics Nichols Institute San Juan Capistrano and Institute for Genomic Medicine (IGM) Clinical Laboratory, Nationwide Children's Hospital); PubMed 30322717 (cited by Quest Diagnostics Nichols Institute San Juan Capistrano); PubMed 30702160 (cited by Quest Diagnostics Nichols Institute San Juan Capistrano); PubMed 30720243 (cited by Quest Diagnostics Nichols Institute San Juan Capistrano); PubMed 30787465 (cited by Quest Diagnostics Nichols Institute San Juan Capistrano); PubMed 30875412 (cited by Quest Diagnostics Nichols Institute San Juan Capistrano); PubMed 31263054 (cited by Quest Diagnostics Nichols Institute San Juan Capistrano); PubMed 31447099 (cited by Quest Diagnostics Nichols Institute San Juan Capistrano); PubMed 31742824 (cited by Quest Diagnostics Nichols Institute San Juan Capistrano); PubMed 31825140 (cited by Quest Diagnostics Nichols Institute San Juan Capistrano); PubMed 32318955 (cited by Quest Diagnostics Nichols Institute San Juan Capistrano); PubMed 32341426 (cited by Quest Diagnostics Nichols Institute San Juan Capistrano); PubMed 32467295 (cited by Quest Diagnostics Nichols Institute San Juan Capistrano); PubMed 32710294 (cited by Quest Diagnostics Nichols Institute San Juan Capistrano); PubMed 32853339 (cited by Quest Diagnostics Nichols Institute San Juan Capistrano); PubMed 33608381 (cited by Quest Diagnostics Nichols Institute San Juan Capistrano); PubMed 16234499 (cited by Institute for Genomic Medicine (IGM) Clinical Laboratory, Nationwide Children's Hospital); PubMed 27836010 (cited by Laboratory for Molecular Medicine, Mass General Brigham Personalized Medicine); PubMed 11802209 (cited by Women's Health and Genetics/Laboratory Corporation of America, LabCorp); PubMed 22798144 (cited by Women's Health and Genetics/Laboratory Corporation of America, LabCorp); PubMed 36988593 (cited by Laboratory for Genotyping Development, RIKEN); DOI 10.1093/jnci/djz080 (cited by Rudy L. Ruggles Biomedical Research Institute, Danbury Hospital); PubMed 32295079 (cited by CZECANCA consortium).